The following is an entry in ClinVar:

ClinVar aggregate classification (germline): Uncertain significance (1 of 4 stars; one submission).

Submission:

GeneDx
Classification: Uncertain significance. Last evaluated: 2024-05-26. Review status: criteria provided, single submitter. Criteria: GeneDx Variant Classification Process June 2021. Collection method: clinical testing. Allele origin: germline. Affected: yes.
Comment: Not observed at significant frequency in large population cohorts (gnomAD); In silico analysis supports that this missense variant has a deleterious effect on protein structure/function; Has not been previously published as pathogenic or benign to our knowledge

NM_194454.3(KRIT1):c.1823T>C (p.Leu608Pro)

Gene: KRIT1 (KRIT1 ankyrin repeat containing; minus strand). Cytogenetic location: 7q21.2.
Variant type: single nucleotide variant.
Coding change: c.1823T>C on transcript NM_194454.3 (MANE Select); coding-DNA position 1823, T replaced by C.
Protein change: p.Leu608Pro; replaces leucine 608 with proline.
Molecular consequence: missense variant.
Genome position (GRCh38, 1-based): chr7:92,213,397, A>G on the plus strand (T>C on the coding strand, the complement: KRIT1 is on the minus strand). VCF-style: chr7-92213397-A-G. GRCh37 (hg19) VCF-style: chr7-91842711-A-G.
Other names: c.1679T>C, p.Leu560Pro (NM_001013406.2, NM_001350669.1, NM_001350670.1); c.1109T>C, p.Leu370Pro (NM_001350671.1); c.1823T>C, p.Leu608Pro (NM_001350672.1, NM_001350673.1, NM_001350674.1 and 26 more transcripts); short protein forms L370P, L560P, L608P.
Identifiers: ClinVar variation 3383679 (VCV003383679.1).